The following is an entry in ClinVar:

NM_000455.5(STK11):c.427G>A (p.Val143Met)

Gene: STK11 (serine/threonine kinase 11; plus strand). Cytogenetic location: 19p13.3.
Variant type: single nucleotide variant.
Coding change: c.427G>A on transcript NM_000455.5 (MANE Select); coding-DNA position 427, G replaced by A.
Protein change: p.Val143Met; replaces valine 143 with methionine.
Molecular consequence: missense variant.
Genome position (GRCh38, 1-based): chr19:1,219,376, G>A. VCF-style: chr19-1219376-G-A. GRCh37 (hg19) VCF-style: chr19-1219375-G-A.
Other names: short protein forms V143M.
Identifiers: ClinVar variation 458043 (VCV000458043.30), dbSNP rs779987540, ClinGen allele CA402948278.
Genomic context (GRCh38, chr19:1,219,376, plus strand): 5'-CGCCCCACGTATATGGTGATGGAGTACTGCGTGTGTGGCATGCAGGAAATGCTGGACAGC[G>A]TGCCGGAGAAGCGTTTCCCAGTGTGCCAGGCCCACGGGTGCGTGCGCGGGGCAGGGGCCA-3'
Protein context (NP_000446.1, residues 133-153): VCGMQEMLDS[Val143Met]PEKRFPVCQA

ClinVar aggregate classification (germline): Conflicting classifications of pathogenicity. Review status: criteria provided, conflicting classifications (1 of 4 stars). 9 submissions from 9 submitters: Uncertain significance (8); Likely benign (1). Last evaluated 2026-03-17.

Conditions:
Hereditary cancer-predisposing syndrome. Also called: Hereditary Cancer Syndrome; Tumor predisposition; Hereditary neoplastic syndrome; Neoplastic Syndromes, Hereditary. Identifiers: Orphanet 140162, MedGen C0027672, MeSH D009386, MONDO:0015356.
Peutz-Jeghers syndrome (PJS). Also called: POLYPOSIS, HAMARTOMATOUS INTESTINAL; POLYPS-AND-SPOTS SYNDROME; Peutz-Jeghers polyposis; Periorificial lentiginosis syndrome. Identifiers: Orphanet 2869, MedGen C0031269, MeSH D010580, MONDO:0008280, OMIM 175200.

Allele frequency attached by ClinVar (database versions not stated): gnomAD exomes 0.00001; TOPMed 0.00001; gnomAD 0.00001.

Submissions (9):

Ambry Genetics
Classification: Uncertain significance for Hereditary cancer-predisposing syndrome. Last evaluated: 2026-03-17. Review status: criteria provided, single submitter. Criteria: Ambry Variant Classification Scheme 2023. Collection method: clinical testing. Allele origin: germline.
Comment: The p.V143M variant (also known as c.427G>A), located in coding exon 3 of the STK11 gene, results from a G to A substitution at nucleotide position 427. The valine at codon 143 is replaced by methionine, an amino acid with highly similar properties. This amino acid position is highly conserved in available vertebrate species. In addition, the in silico prediction for this alteration is inconclusive. Based on the available evidence, the clinical significance of this variant remains unclear.

Labcorp Genetics (formerly Invitae), Labcorp
Classification: Likely benign for Peutz-Jeghers syndrome. Last evaluated: 2025-10-11. Review status: criteria provided, single submitter. Criteria: Invitae Variant Classification Sherloc (09022015). Collection method: clinical testing. Allele origin: germline.

Quest Diagnostics Nichols Institute San Juan Capistrano
Classification: Uncertain significance. Last evaluated: 2025-07-22. Review status: criteria provided, single submitter. Criteria: Quest Diagnostics criteria. Collection method: clinical testing. Allele origin: unknown.
Comment: The STK11 c.427G>A (p.Val143Met) variant has been reported in the published literature in an individual ER-negative breast cancer in a case-control study (PMID: 35884425 (2022)). The frequency of this variant in the general population (Genome Aggregation Database) is uninformative in the assessment of its pathogenicity. Analysis of this variant using bioinformatics tools for the prediction of the effect of amino acid changes on protein structure and function yielded conflicting predictions that this variant is benign or damaging. Based on the available information, we are unable to determine the clinical significance of this variant.

All of Us Research Program, National Institutes of Health
Classification: Uncertain significance for Peutz-Jeghers syndrome. Last evaluated: 2024-08-06. Review status: criteria provided, single submitter. Criteria: ACMG Guidelines, 2015. Collection method: clinical testing. Allele origin: germline. Inheritance: Autosomal dominant inheritance. Observed: 3 variant alleles, 3 heterozygotes.
Comment: This missense variant replaces valine with methionine at codon 143 of the STK11 protein. Computational prediction is inconclusive regarding the impact of this variant on protein structure and function (internally defined REVEL score threshold 0.5 < inconclusive < 0.7, PMID: 27666373). To our knowledge, functional studies have not been reported for this variant. This variant has not been reported in individuals affected with hereditary cancer in the literature. This variant has been identified in 4/226056 chromosomes in the general population by the Genome Aggregation Database (gnomAD). The available evidence is insufficient to determine the role of this variant in disease conclusively. Therefore, this variant is classified as a Variant of Uncertain Significance.

This study involves interpretation of variants in research participants for the purpose of population health screening. Participant phenotype was not available at the time of variant classification. Additional details can be found in publication PMID: 35346344, PMCID: PMC8962531

Color Diagnostics, LLC DBA Color Health
Classification: Uncertain significance for Hereditary cancer-predisposing syndrome. Last evaluated: 2024-06-04. Review status: criteria provided, single submitter. Criteria: ACMG Guidelines, 2015. Collection method: clinical testing. Allele origin: germline.
Comment: This missense variant replaces valine with methionine at codon 143 of the STK11 protein. Computational prediction is inconclusive regarding the impact of this variant on protein structure and function. To our knowledge, functional studies have not been reported for this variant. This variant has not been reported in individuals affected with hereditary cancer in the literature. This variant has been identified in 4/226056 chromosomes in the general population by the Genome Aggregation Database (gnomAD). The available evidence is insufficient to determine the role of this variant in disease conclusively. Therefore, this variant is classified as a Variant of Uncertain Significance.

GeneDx
Classification: Uncertain significance. Last evaluated: 2023-04-19. Review status: criteria provided, single submitter. Criteria: GeneDx Variant Classification Process June 2021. Collection method: clinical testing. Allele origin: germline. Affected: yes.
Comment: Not observed at significant frequency in large population cohorts (gnomAD); In silico analysis supports that this missense variant does not alter protein structure/function; Has not been previously published as pathogenic or benign to our knowledge; This variant is associated with the following publications: (PMID: 15863673, 27300552, 29973652)

Sema4
Classification: Uncertain significance for Hereditary cancer-predisposing syndrome. Last evaluated: 2021-12-27. Review status: criteria provided, single submitter. Criteria: Sema4 Curation Guidelines. Collection method: curation. Allele origin: germline.
Comment: The STK11 c.427G>A (p.V143M) variant has not been reported in the individuals with STK11-related disease. This variant was observed in 4/226056 chromosomes in the large and broad cohorts of the Genome Aggregation Database (PMID: 32461654). This variant has been reported in ClinVar (Variation ID: 458043). Functional studies have not been performed, and in silico predictions of the variant's effect on protein function are inconclusive. The evidence is insufficient to meet ACMG/AMP criteria for classifying the variant as benign or pathogenic. Thus, the clinical significance of this variant is currently uncertain.

Genome-Nilou Lab
Classification: Uncertain significance for Peutz-Jeghers syndrome. Last evaluated: 2021-07-15. Review status: criteria provided, single submitter. Criteria: ACMG Guidelines, 2015. Collection method: clinical testing. Allele origin: germline. Affected: no.

Women's Health and Genetics/Laboratory Corporation of America, LabCorp
Classification: Uncertain significance. Last evaluated: 2020-11-25. Review status: criteria provided, single submitter. Criteria: LabCorp Variant Classification Summary - May 2015. Collection method: clinical testing. Allele origin: germline.
Comment: Variant summary: STK11 c.427G>A (p.Val143Met) results in a conservative amino acid change in the encoded protein sequence. Three of five in-silico tools predict a benign effect of the variant on protein function. The variant allele was found at a frequency of 1.8e-05 in 226056 control chromosomes (gnomAD). The available data on variant occurrences in the general population are insufficient to allow any conclusion about variant significance. The variant, c.427G>A, has not been reported in the literature in individuals affected with Peutz-Jeghers Syndrome. To our knowledge, no experimental evidence demonstrating an impact on protein function has been reported. Three clinical diagnostic laboratories have submitted clinical-significance assessments for this variant to ClinVar after 2014 without evidence for independent evaluation. All laboratories classified the variant as uncertain significance. Based on the evidence outlined above, the variant was classified as uncertain significance.

Literature cited by the submitters: PubMed 35884425 (cited by Quest Diagnostics Nichols Institute San Juan Capistrano); PubMed 27300552 (cited by Women's Health and Genetics/Laboratory Corporation of America, LabCorp); PubMed 29973652 (cited by Women's Health and Genetics/Laboratory Corporation of America, LabCorp).